The following is an entry in ClinVar:

NM_001100.4(ACTA1):c.197T>A (p.Ile66Asn)

Gene: ACTA1 (actin alpha 1, skeletal muscle; minus strand). Cytogenetic location: 1q42.13.
Variant type: single nucleotide variant.
Coding change: c.197T>A on transcript NM_001100.4 (MANE Select); coding-DNA position 197, T replaced by A.
Protein change: p.Ile66Asn; replaces isoleucine 66 with asparagine.
Molecular consequence: missense variant.
Genome position (GRCh38, 1-based): chr1:229,432,813, A>T on the plus strand (T>A on the coding strand, the complement: ACTA1 is on the minus strand). VCF-style: chr1-229432813-A-T. GRCh37 (hg19) VCF-style: chr1-229568560-A-T.
Other names: short protein forms I66N.
Identifiers: ClinVar variation 464119 (VCV000464119.11), dbSNP rs1553255502, ClinGen allele CA345150726.

ClinVar aggregate classification (germline): Pathogenic/Likely pathogenic. Review status: criteria provided, multiple submitters, no conflicts (2 of 4 stars). 2 submissions from 2 submitters: Pathogenic (1); Likely pathogenic (1). Last evaluated 2024-03-16.

Conditions:
Actin accumulation myopathy (CMYO2A). Also called: Nemaline myopathy type 3; Myopathy, actin, congenital, with excess of thin myofilaments; Myopathy, actin, congenital, with cores; Nemaline myopathy 3, with intranuclear rods; CONGENITAL MYOPATHY 2A, TYPICAL, AUTOSOMAL DOMINANT. Identifiers: Orphanet 98904, MedGen C3711389, MONDO:0008070, OMIM 161800.

Submissions (2):

Labcorp Genetics (formerly Invitae), Labcorp
Classification: Pathogenic for Actin accumulation myopathy. Last evaluated: 2024-03-16. Review status: criteria provided, single submitter. Criteria: Invitae Variant Classification Sherloc (09022015). Collection method: clinical testing. Allele origin: germline.
Comment: This sequence change replaces isoleucine, which is neutral and non-polar, with asparagine, which is neutral and polar, at codon 66 of the ACTA1 protein (p.Ile66Asn). This variant is not present in population databases (gnomAD no frequency). This missense change has been observed in individual(s) with autosomal dominant nemaline myopathy (PMID: 12921789, 15236405). In at least one individual the variant was observed to be de novo. This variant is also known as p.Ile64Asn. ClinVar contains an entry for this variant (Variation ID: 464119). Advanced modeling of protein sequence and biophysical properties (such as structural, functional, and spatial information, amino acid conservation, physicochemical variation, residue mobility, and thermodynamic stability) performed at Invitae indicates that this missense variant is not expected to disrupt ACTA1 protein function with a negative predictive value of 80%. Experimental studies have shown that this missense change affects ACTA1 function (PMID: 15226407). For these reasons, this variant has been classified as Pathogenic.

Revvity Omics, Revvity
Classification: Likely pathogenic. Last evaluated: 2022-09-22. Review status: criteria provided, single submitter. Criteria: ACMG Guidelines, 2015. Collection method: clinical testing. Allele origin: germline.

Literature cited by the submitters: PubMed 12921789 (cited by Labcorp Genetics (formerly Invitae), Labcorp); PubMed 15236405 (cited by Labcorp Genetics (formerly Invitae), Labcorp); PubMed 15226407 (cited by Labcorp Genetics (formerly Invitae), Labcorp).